The following is an entry in ClinVar:

ClinVar aggregate classification (germline): Uncertain significance (1 of 4 stars; one submission).

Conditions:
Multiple gastrointestinal atresias. Also called: Multiple intestinal atresia; FAMILIAL INTESTINAL POLYATRESIA SYNDROME. Identifiers: Orphanet 2300, MedGen C0220744, MONDO:0009465.

gnomAD v4.1: 3 of 1,610,528 alleles (0.00019%); highest among the groups gnomAD compares: Non-Finnish European, 0.00025%; no homozygotes.

Submission:

Labcorp Genetics (formerly Invitae), Labcorp
Classification: Uncertain significance for Multiple gastrointestinal atresias. Last evaluated: 2024-10-07. Review status: criteria provided, single submitter. Criteria: Invitae Variant Classification Sherloc (09022015). Collection method: clinical testing. Allele origin: germline.
Comment: This sequence change replaces isoleucine, which is neutral and non-polar, with valine, which is neutral and non-polar, at codon 680 of the TTC7A protein (p.Ile680Val). This variant is not present in population databases (gnomAD no frequency). This variant has not been reported in the literature in individuals affected with TTC7A-related conditions. ClinVar contains an entry for this variant (Variation ID: 1410168). Invitae Evidence Modeling of protein sequence and biophysical properties (such as structural, functional, and spatial information, amino acid conservation, physicochemical variation, residue mobility, and thermodynamic stability) indicates that this missense variant is not expected to disrupt TTC7A protein function with a negative predictive value of 80%. In summary, the available evidence is currently insufficient to determine the role of this variant in disease. Therefore, it has been classified as a Variant of Uncertain Significance.

NM_020458.4(TTC7A):c.2038A>G (p.Ile680Val)

Gene: TTC7A (tetratricopeptide repeat domain 7A; plus strand). Cytogenetic location: 2p21.
Variant type: single nucleotide variant.
Coding change: c.2038A>G on transcript NM_020458.4 (MANE Select); coding-DNA position 2038, A replaced by G.
Protein change: p.Ile680Val; replaces isoleucine 680 with valine.
Molecular consequence: missense variant.
Genome position (GRCh38, 1-based): chr2:47,051,766, A>G. VCF-style: chr2-47051766-A-G. GRCh37 (hg19) VCF-style: chr2-47278905-A-G.
Other names: c.2110A>G, p.Ile704Val (NM_001288951.2); c.1936A>G, p.Ile646Val (NM_001288953.2); c.976A>G, p.Ile326Val (NM_001288955.2); short protein forms I704V, I326V, I646V, I680V.
Identifiers: ClinVar variation 1410168 (VCV001410168.6), dbSNP rs1332051582, ClinGen allele CA346713670.
Genomic context (GRCh38, chr2:47,051,766, plus strand): 5'-CCTCTGACCACTGCTCGGCTCGTGCCCTCTTGCTCTGCAGGCTCCCGGCGGGCTTCGTCC[A>G]TCGCCGCCTCCCGGCTGGAGGAGGCCATGTCAGAGCTGACTATGCCCTCTTCGGTCCTGA-3'
Protein context (NP_065191.2, residues 670-690): ADSGSRRASS[Ile680Val]AASRLEEAMS